The following is an entry in ClinVar:

NM_001103.4(ACTN2):c.1747G>A (p.Glu583Lys)

Gene: ACTN2 (actinin alpha 2; plus strand). Cytogenetic location: 1q43.
Variant type: single nucleotide variant.
Coding change: c.1747G>A on transcript NM_001103.4 (MANE Select); coding-DNA position 1747, G replaced by A.
Protein change: p.Glu583Lys; replaces glutamic acid 583 with lysine.
Molecular consequence: missense variant. On other transcripts: non-coding transcript variant (1).
Genome position (GRCh38, 1-based): chr1:236,751,560, G>A. VCF-style: chr1-236751560-G-A. GRCh37 (hg19) VCF-style: chr1-236914860-G-A.
Other names: c.1747G>A, p.Glu583Lys (NM_001278343.2); short protein forms E583K.
Identifiers: ClinVar variation 3572613 (VCV003572613.1).

ClinVar aggregate classification (germline): Uncertain significance (1 of 4 stars; one submission).

Submission:

GeneDx
Classification: Uncertain significance. Last evaluated: 2024-07-07. Review status: criteria provided, single submitter. Criteria: GeneDx Variant Classification Process June 2021. Collection method: clinical testing. Allele origin: germline. Affected: yes.
Comment: Has not been previously published as pathogenic or benign to our knowledge; Not observed at significant frequency in large population cohorts (gnomAD); In silico analysis indicates that this missense variant does not alter protein structure/function